The following is an entry in ClinVar:

NM_024747.6(HPS6):c.2302C>A (p.Pro768Thr)

Gene: HPS6 (HPS6 biogenesis of lysosomal organelles complex 2 subunit 3; plus strand). Cytogenetic location: 10q24.32.
Variant type: single nucleotide variant.
Coding change: c.2302C>A on transcript NM_024747.6 (MANE Select); coding-DNA position 2302, C replaced by A.
Protein change: p.Pro768Thr; replaces proline 768 with threonine.
Molecular consequence: missense variant.
Genome position (GRCh38, 1-based): chr10:102,067,776, C>A. VCF-style: chr10-102067776-C-A. GRCh37 (hg19) VCF-style: chr10-103827533-C-A.
Other names: short protein forms P768T.
Identifiers: ClinVar variation 3690701 (VCV003690701.1).

ClinVar aggregate classification (germline): Uncertain significance (1 of 4 stars; one submission).

gnomAD v4.1: 2 of 1,613,110 alleles (0.00012%); highest among the groups gnomAD compares: Non-Finnish European, 0.00017%; no homozygotes.

Submission:

Labcorp Genetics (formerly Invitae), Labcorp
Classification: Uncertain significance. Last evaluated: 2024-09-06. Review status: criteria provided, single submitter. Criteria: Invitae Variant Classification Sherloc (09022015). Collection method: clinical testing. Allele origin: germline.
Comment: This sequence change replaces proline, which is neutral and non-polar, with threonine, which is neutral and polar, at codon 768 of the HPS6 protein (p.Pro768Thr). This variant is present in population databases (rs377009742, gnomAD 0.0009%). This variant has not been reported in the literature in individuals affected with HPS6-related conditions. Invitae Evidence Modeling of protein sequence and biophysical properties (such as structural, functional, and spatial information, amino acid conservation, physicochemical variation, residue mobility, and thermodynamic stability) indicates that this missense variant is not expected to disrupt HPS6 protein function with a negative predictive value of 80%. In summary, the available evidence is currently insufficient to determine the role of this variant in disease. Therefore, it has been classified as a Variant of Uncertain Significance.